The following is an entry in ClinVar:

NM_182972.3(IRF2BP2):c.383G>C (p.Arg128Pro)

Genes: IRF2BP2 (interferon regulatory factor 2 binding protein 2; minus strand), LOC129932812 (ATAC-STARR-seq lymphoblastoid silent region 1977; plus strand). Cytogenetic location: 1q42.3.
Variant type: single nucleotide variant.
Coding change: c.383G>C on transcript NM_182972.3 (MANE Select); coding-DNA position 383, G replaced by C.
Protein change: p.Arg128Pro; replaces arginine 128 with proline.
Molecular consequence: missense variant.
Genome position (GRCh38, 1-based): chr1:234,609,112, C>G on the plus strand (G>C on the coding strand, the complement: IRF2BP2 is on the minus strand). VCF-style: chr1-234609112-C-G. GRCh37 (hg19) VCF-style: chr1-234744858-C-G.
Other names: c.383G>C, p.Arg128Pro (NM_001077397.1); short protein forms R128P.
Identifiers: ClinVar variation 2815105 (VCV002815105.3), dbSNP rs2528522222, ClinGen allele CA345310766.

ClinVar aggregate classification (germline): Uncertain significance (1 of 4 stars; one submission).

Submission:

Labcorp Genetics (formerly Invitae), Labcorp
Classification: Uncertain significance. Last evaluated: 2023-10-05. Review status: criteria provided, single submitter. Criteria: Invitae Variant Classification Sherloc (09022015). Collection method: clinical testing. Allele origin: germline.
Comment: This sequence change replaces arginine, which is basic and polar, with proline, which is neutral and non-polar, at codon 128 of the IRF2BP2 protein (p.Arg128Pro). This variant is not present in population databases (gnomAD no frequency). This variant has not been reported in the literature in individuals affected with IRF2BP2-related conditions. An algorithm developed to predict the effect of missense changes on protein structure and function (PolyPhen-2) suggests that this variant is likely to be disruptive. In summary, the available evidence is currently insufficient to determine the role of this variant in disease. Therefore, it has been classified as a Variant of Uncertain Significance.